The following is an entry in ClinVar:

NM_006208.3(ENPP1):c.2192A>G (p.Asn731Ser)

Gene: ENPP1 (ectonucleotide pyrophosphatase/phosphodiesterase 1; plus strand). Cytogenetic location: 6q23.2.
Variant type: single nucleotide variant.
Coding change: c.2192A>G on transcript NM_006208.3 (MANE Select); coding-DNA position 2192, A replaced by G.
Protein change: p.Asn731Ser; replaces asparagine 731 with serine.
Molecular consequence: missense variant.
Genome position (GRCh38, 1-based): chr6:131,882,436, A>G. VCF-style: chr6-131882436-A-G. GRCh37 (hg19) VCF-style: chr6-132203576-A-G.
Other names: short protein forms N731S.
Identifiers: ClinVar variation 2900769 (VCV002900769.3), dbSNP rs1309341593, ClinGen allele CA365654030.
Genomic context (GRCh38, chr6:131,882,436, plus strand): 5'-GTCTGTACCAGGACTTTAGAATTCCTCTTAGTCCTGTCCATAAATGTTCATTTTATAAAA[A>G]TAACACCAAAGTGAGTTACGGGTTCCTCTCCCCACCACGTAAGTTTTTTCCTCTCCTGAC-3'
Protein context (NP_006199.2, residues 721-741): SPVHKCSFYK[Asn731Ser]NTKVSYGFLS

ClinVar aggregate classification (germline): Uncertain significance (1 of 4 stars; one submission).

Allele frequency attached by ClinVar (database versions not stated): gnomAD exomes below 0.00001.
gnomAD v4.1: 2 of 1,610,266 alleles (0.00012%); highest among the groups gnomAD compares: Middle Eastern, 0.017%; no homozygotes.

Submission:

Labcorp Genetics (formerly Invitae), Labcorp
Classification: Uncertain significance. Last evaluated: 2023-12-03. Review status: criteria provided, single submitter. Criteria: Invitae Variant Classification Sherloc (09022015). Collection method: clinical testing. Allele origin: germline.
Comment: This sequence change replaces asparagine, which is neutral and polar, with serine, which is neutral and polar, at codon 731 of the ENPP1 protein (p.Asn731Ser). This variant is present in population databases (no rsID available, gnomAD 0.003%). This variant has not been reported in the literature in individuals affected with ENPP1-related conditions. Advanced modeling of protein sequence and biophysical properties (such as structural, functional, and spatial information, amino acid conservation, physicochemical variation, residue mobility, and thermodynamic stability) performed at Invitae indicates that this missense variant is not expected to disrupt ENPP1 protein function with a negative predictive value of 80%. In summary, the available evidence is currently insufficient to determine the role of this variant in disease. Therefore, it has been classified as a Variant of Uncertain Significance.